The following is an entry in ClinVar:

NM_004415.4(DSP):c.2933T>A (p.Ile978Lys)

Gene: DSP (desmoplakin; plus strand). Cytogenetic location: 6p24.3.
Variant type: single nucleotide variant.
Coding change: c.2933T>A on transcript NM_004415.4 (MANE Select); coding-DNA position 2933, T replaced by A.
Protein change: p.Ile978Lys; replaces isoleucine 978 with lysine.
Molecular consequence: missense variant.
Genome position (GRCh38, 1-based): chr6:7,577,834, T>A. VCF-style: chr6-7577834-T-A. GRCh37 (hg19) VCF-style: chr6-7578067-T-A.
Other names: c.2933T>A (LRG_423t1); c.2933T>A, p.Ile978Lys (NM_001008844.3, NM_001319034.2); short protein forms I978K.
Identifiers: ClinVar variation 405241 (VCV000405241.21), dbSNP rs1060500615, ClinGen allele CA16612198.

ClinVar aggregate classification (germline): Conflicting classifications of pathogenicity. Review status: criteria provided, conflicting classifications (1 of 4 stars). 6 submissions from 6 submitters: Uncertain significance (3); Likely benign (1). 2 of the submissions do not count toward it. Last evaluated 2025-03-05.

Conditions:
Cardiovascular phenotype. Identifiers: MedGen CN230736.
Cardiomyopathy (CMYO). Also called: Cardiomyopathies. Identifiers: Orphanet 167848, MedGen C0878544, MONDO:0004994, HP:0001638. Inheritance: Various modes of inheritance.
Arrhythmogenic cardiomyopathy with wooly hair and keratoderma. Also called: Dilated cardiomyopathy with woolly hair and keratoderma; Carvajal syndrome; PALMOPLANTAR KERATODERMA WITH LEFT VENTRICULAR CARDIOMYOPATHY AND WOOLLY HAIR; Arrhythmogenic cardiomyopathy with woolly hair and keratoderma. Identifiers: Orphanet 65282, MedGen C1854063, MONDO:0011581, OMIM 605676.
Arrhythmogenic right ventricular dysplasia 8 (ARVD8). Also called: Arrhythmogenic Right Ventricular Dysplasia/Cardiomyopathy 8; ARRHYTHMOGENIC RIGHT VENTRICULAR DYSPLASIA, FAMILIAL, 8; ARRHYTHMOGENIC RIGHT VENTRICULAR CARDIOMYOPATHY 8. Identifiers: MedGen C1843896, MONDO:0011831, OMIM 607450.

Allele frequency attached by ClinVar (database versions not stated): TOPMed below 0.00001; gnomAD 0.00001; gnomAD exomes 0.00001.
gnomAD v4.1: 10 of 1,614,082 alleles (0.00062%); highest among the groups gnomAD compares: Non-Finnish European, 0.00068%; no homozygotes.

Submissions (6):

Labcorp Genetics (formerly Invitae), Labcorp
Classification: Likely benign for Arrhythmogenic cardiomyopathy with wooly hair and keratoderma; Arrhythmogenic right ventricular dysplasia 8. Last evaluated: 2025-03-05. Review status: criteria provided, single submitter. Criteria: Invitae Variant Classification Sherloc (09022015). Collection method: clinical testing. Allele origin: germline.

Color Diagnostics, LLC DBA Color Health
Classification: Uncertain significance for Cardiomyopathy. Last evaluated: 2023-10-19. Review status: criteria provided, single submitter. Criteria: ACMG Guidelines, 2015. Collection method: clinical testing. Allele origin: germline.
Comment: This missense variant replaces isoleucine with lysine at codon 978 of the DSP protein. Computational prediction suggests that this variant may not impact protein structure and function (internally defined REVEL score threshold <= 0.5, PMID: 27666373). To our knowledge, functional studies have not been reported for this variant. This variant has been reported in one individual affected with dilated cardiomyopathy (PMID: 32880476). This variant has been identified in 3/251460 chromosomes in the general population by the Genome Aggregation Database (gnomAD). The available evidence is insufficient to determine the role of this variant in disease conclusively. Therefore, this variant is classified as a Variant of Uncertain Significance.

Ambry Genetics
Classification: Uncertain significance for Cardiovascular phenotype. Last evaluated: 2023-08-21. Review status: criteria provided, single submitter. Criteria: Ambry Variant Classification Scheme 2023. Collection method: clinical testing. Allele origin: germline.
Comment: The p.I978K variant (also known as c.2933T>A), located in coding exon 21 of the DSP gene, results from a T to A substitution at nucleotide position 2933. The isoleucine at codon 978 is replaced by lysine, an amino acid with dissimilar properties. This variant co-occurred with an MYH7 variant in an individual from a dilated cardiomyopathy cohort (Verdonschot JAJ et al. Circ Genom Precis Med, 2020 Oct;13:476-487). This amino acid position is well conserved in available vertebrate species. In addition, this alteration is predicted to be deleterious by in silico analysis. Since supporting evidence is limited at this time, the clinical significance of this alteration remains unclear.

Stanford Center for Inherited Cardiovascular Disease, Stanford University
Classification: Uncertain significance. Last evaluated: 2016-11-10. Review status: criteria provided, single submitter. Criteria: ACMG Guidelines, 2015. Collection method: provider interpretation. Allele origin: germline.

Genome Diagnostics Laboratory, University Medical Center Utrecht
Classification: Uncertain significance. Review status: no assertion criteria provided. Collection method: clinical testing. Allele origin: germline. Affected: yes. Study: VKGL Data-share Consensus. Not counted in ClinVar's aggregate classification.

Joint Genome Diagnostic Labs from Nijmegen and Maastricht, Radboudumc and MUMC+
Classification: Uncertain significance. Review status: no assertion criteria provided. Collection method: clinical testing. Allele origin: germline. Affected: yes. Study: VKGL Data-share Consensus. Not counted in ClinVar's aggregate classification.

Literature cited by the submitters: PubMed 32880476 (cited by Color Diagnostics, LLC DBA Color Health and Ambry Genetics).